The following is an entry in ClinVar:

NM_001035.3(RYR2):c.14264C>A (p.Thr4755Asn)

Gene: RYR2 (ryanodine receptor 2; plus strand). Cytogenetic location: 1q43.
Variant type: single nucleotide variant.
Coding change: c.14264C>A on transcript NM_001035.3 (MANE Select); coding-DNA position 14264, C replaced by A.
Protein change: p.Thr4755Asn; replaces threonine 4755 with asparagine.
Molecular consequence: missense variant.
Genome position (GRCh38, 1-based): chr1:237,806,249, C>A. VCF-style: chr1-237806249-C-A. GRCh37 (hg19) VCF-style: chr1-237969549-C-A.
Other names: short protein forms T4755N.
Identifiers: ClinVar variation 858412 (VCV000858412.12), dbSNP rs1553334770, ClinGen allele CA345423242.

ClinVar aggregate classification (germline): Uncertain significance. Review status: criteria provided, multiple submitters, no conflicts (2 of 4 stars). 2 submissions from 2 submitters: Uncertain significance (2). Last evaluated 2024-03-05.

Conditions:
Catecholaminergic polymorphic ventricular tachycardia (CVPT). Also called: Catecholamine-induced polymorphic ventricular tachycardia. Identifiers: Orphanet 3286, MedGen C5574922, MONDO:0017990.
Catecholaminergic polymorphic ventricular tachycardia 1. Also called: VENTRICULAR TACHYCARDIA, CATECHOLAMINERGIC POLYMORPHIC, 1, WITH OR WITHOUT ATRIAL DYSFUNCTION AND/OR DILATED CARDIOMYOPATHY; VENTRICULAR TACHYCARDIA, STRESS-INDUCED POLYMORPHIC 1; RYR2-Related Catecholaminergic Polymorphic Ventricular Tachycardia. Identifiers: Orphanet 3286, MedGen C1631597, MONDO:0011484, OMIM 604772.

Submissions (2):

All of Us Research Program, National Institutes of Health
Classification: Uncertain significance for Catecholaminergic polymorphic ventricular tachycardia. Last evaluated: 2024-03-05. Review status: criteria provided, single submitter. Criteria: ACMG Guidelines, 2015. Collection method: clinical testing. Allele origin: germline. Inheritance: Autosomal dominant inheritance. Observed: 1 variant allele, 1 heterozygote.
Comment: This study involves interpretation of variants in research participants for the purpose of population health screening. Participant phenotype was not available at the time of variant classification. Additional details can be found in publication PMID: 35346344, PMCID: PMC8962531

Labcorp Genetics (formerly Invitae), Labcorp
Classification: Uncertain significance for Catecholaminergic polymorphic ventricular tachycardia 1. Last evaluated: 2021-03-18. Review status: criteria provided, single submitter. Criteria: Invitae Variant Classification Sherloc (09022015). Collection method: clinical testing. Allele origin: germline.
Comment: In summary, the available evidence is currently insufficient to determine the role of this variant in disease. Therefore, it has been classified as a Variant of Uncertain Significance. Algorithms developed to predict the effect of missense changes on protein structure and function are either unavailable or do not agree on the potential impact of this missense change (SIFT: "Deleterious"; PolyPhen-2: "Probably Damaging"; Align-GVGD: "Class C0"). This variant has not been reported in the literature in individuals with RYR2-related conditions. This variant is not present in population databases (ExAC no frequency). This sequence change replaces threonine with asparagine at codon 4755 of the RYR2 protein (p.Thr4755Asn). The threonine residue is highly conserved and there is a small physicochemical difference between threonine and asparagine.